The following is an entry in ClinVar:

ClinVar aggregate classification (germline): Uncertain significance (1 of 4 stars; one submission).

Conditions:
Familial adenomatous polyposis 1 (FAP1). Also called: POLYPOSIS, ADENOMATOUS INTESTINAL; FAMILIAL ADENOMATOUS POLYPOSIS 1, ATTENUATED. Identifiers: MedGen C2713442, MONDO:0021056, OMIM 175100. Disease mechanism: loss of function.

Submission:

Labcorp Genetics (formerly Invitae), Labcorp
Classification: Uncertain significance for Familial adenomatous polyposis 1. Last evaluated: 2022-04-02. Review status: criteria provided, single submitter. Criteria: Invitae Variant Classification Sherloc (09022015). Collection method: clinical testing. Allele origin: germline.
Comment: This sequence change replaces serine, which is neutral and polar, with cysteine, which is neutral and slightly polar, at codon 780 of the APC protein (p.Ser780Cys). In summary, the available evidence is currently insufficient to determine the role of this variant in disease. Therefore, it has been classified as a Variant of Uncertain Significance. Algorithms developed to predict the effect of missense changes on protein structure and function are either unavailable or do not agree on the potential impact of this missense change (SIFT: "Tolerated"; PolyPhen-2: "Probably Damaging"; Align-GVGD: "Class C15"). This variant has not been reported in the literature in individuals affected with APC-related conditions. This variant is not present in population databases (gnomAD no frequency).

NM_000038.6(APC):c.2338A>T (p.Ser780Cys)

Gene: APC (APC regulator of Wnt signaling pathway; plus strand). Cytogenetic location: 5q22.2.
Variant type: single nucleotide variant.
Coding change: c.2338A>T on transcript NM_000038.6 (MANE Select); coding-DNA position 2338, A replaced by T.
Protein change: p.Ser780Cys; replaces serine 780 with cysteine.
Molecular consequence: missense variant.
Genome position (GRCh38, 1-based): chr5:112,837,932, A>T. VCF-style: chr5-112837932-A-T. GRCh37 (hg19) VCF-style: chr5-112173629-A-T.
Other names: c.2338A>T, p.Ser780Cys (NM_001127510.3, NM_001354895.2, NM_001407450.1); c.2284A>T, p.Ser762Cys (NM_001127511.3); c.2392A>T, p.Ser798Cys (NM_001354896.2, NM_001407447.1, NM_001407448.1 and 1 more transcripts); c.2368A>T, p.Ser790Cys (NM_001354897.2); c.2263A>T, p.Ser755Cys (NM_001354898.2); c.2254A>T, p.Ser752Cys (NM_001354899.2); c.2215A>T, p.Ser739Cys (NM_001354900.2); c.2161A>T, p.Ser721Cys (NM_001354901.2, NM_001407453.1); and 11 more; short protein forms S679C, S762C, S790C, S808C, S396C, S497C, S620C, S654C.
Identifiers: ClinVar variation 2120818 (VCV002120818.4), dbSNP rs2149866767, ClinGen allele CA16026464.